The following is an entry in ClinVar:

NM_178335.3(CCDC50):c.*7_*14del

Gene: CCDC50 (coiled-coil domain containing 50; plus strand). Cytogenetic location: 3q28.
Variant type: Deletion.
Coding change: c.*7_*14del on transcript NM_178335.3 (MANE Select); 7 bases downstream of the stop codon through 14 bases downstream of the stop codon, 8 bases deleted (AGGAATCT; older notation c.*7_*14delAGGAATCT).
Molecular consequence: 3 prime UTR variant.
Genome position (GRCh38, 1-based): chr3:191,391,767-191,391,774, AGGAATCT deleted; deleting any 8 consecutive bases within chr3:191,391,765-191,391,774 gives the same sequence; the c. name uses the placement nearest the transcript's 3' end. VCF-style (leftmost placement, unchanged base first): chr3-191391764-CCTAGGAAT-C. GRCh37 (hg19) VCF-style: chr3-191109553-CCTAGGAAT-C.
Other names: c.*7_*14del (NM_174908.4).
Identifiers: ClinVar variation 2573889 (VCV002573889.3), dbSNP rs746383259, ClinGen allele CA2755590.

ClinVar aggregate classification (germline): Likely benign. Review status: criteria provided, multiple submitters, no conflicts (2 of 4 stars). 2 submissions from 2 submitters: Likely benign (2). Last evaluated 2023-07-25.

Submissions (2):

GeneDx
Classification: Likely benign. Last evaluated: 2023-07-25. Review status: criteria provided, single submitter. Criteria: GeneDx Variant Classification Process June 2021. Collection method: clinical testing. Allele origin: germline.
Comment: See Variant Classification Assertion Criteria.

Blueprint Genetics
Classification: Likely benign. Last evaluated: 2023-07-03. Review status: criteria provided, single submitter. Criteria: ACMG Guidelines, 2015. Collection method: clinical testing. Allele origin: germline.